The following is an entry in ClinVar:

ClinVar aggregate classification (germline): Uncertain significance (1 of 4 stars; one submission).

gnomAD v4.1: 4 of 1,611,840 alleles (0.00025%); highest among the groups gnomAD compares: Non-Finnish European, 0.00034%; no homozygotes.

Submission:

Labcorp Genetics (formerly Invitae), Labcorp
Classification: Uncertain significance. Last evaluated: 2024-01-24. Review status: criteria provided, single submitter. Criteria: Invitae Variant Classification Sherloc (09022015). Collection method: clinical testing. Allele origin: germline.
Comment: This sequence change replaces glutamine, which is neutral and polar, with glutamic acid, which is acidic and polar, at codon 525 of the SBF1 protein (p.Gln525Glu). This variant is not present in population databases (gnomAD no frequency). This variant has not been reported in the literature in individuals affected with SBF1-related conditions. ClinVar contains an entry for this variant (Variation ID: 2089267). Advanced modeling of protein sequence and biophysical properties (such as structural, functional, and spatial information, amino acid conservation, physicochemical variation, residue mobility, and thermodynamic stability) performed at Invitae indicates that this missense variant is not expected to disrupt SBF1 protein function with a negative predictive value of 80%. In summary, the available evidence is currently insufficient to determine the role of this variant in disease. Therefore, it has been classified as a Variant of Uncertain Significance.

NM_002972.4(SBF1):c.1573C>G (p.Gln525Glu)

Gene: SBF1 (SET binding factor 1; minus strand). Cytogenetic location: 22q13.33.
Variant type: single nucleotide variant.
Coding change: c.1573C>G on transcript NM_002972.4 (MANE Select); coding-DNA position 1573, C replaced by G.
Protein change: p.Gln525Glu; replaces glutamine 525 with glutamic acid.
Molecular consequence: missense variant.
Genome position (GRCh38, 1-based): chr22:50,464,597, G>C on the plus strand (C>G on the coding strand, the complement: SBF1 is on the minus strand). VCF-style: chr22-50464597-G-C. GRCh37 (hg19) VCF-style: chr22-50903026-G-C.
Other names: c.1576C>G, p.Gln526Glu (NM_001365819.1, NM_001410794.1); c.1573C>G, p.Gln525Glu (NM_001410795.1, NM_197971.1); short protein forms Q525E, Q526E.
Identifiers: ClinVar variation 2089267 (VCV002089267.4), dbSNP rs1556430212, ClinGen allele CA412217560.